The following is an entry in ClinVar:

ClinVar aggregate classification (germline): Uncertain significance. Review status: criteria provided, multiple submitters, no conflicts (2 of 4 stars). 2 submissions from 2 submitters: Uncertain significance (2). Last evaluated 2026-04-23.

Conditions:
Hypertrophic cardiomyopathy. Also called: HYPERTROPHIC MYOCARDIOPATHY. Identifiers: Orphanet 217569, MedGen C0007194, MeSH D002312, MONDO:0005045, HP:0001639.
Hypertrophic cardiomyopathy 17. Identifiers: MedGen C3151264, MONDO:0013474, OMIM 613873.

Submissions (2):

Victorian Clinical Genetics Services, Murdoch Childrens Research Institute
Classification: Uncertain significance for Hypertrophic cardiomyopathy 17. Last evaluated: 2026-04-23. Review status: criteria provided, single submitter. Criteria: ACMG Guidelines, 2015. Collection method: clinical testing. Allele origin: germline. Affected: yes.
Comment: This variant is classified as VUS-3C. Evidence in support of pathogenic classification: Variant is absent from gnomAD (v2, v3 and v4). Evidence in support of benign classification: Missense variant predicted to be tolerated by in silico tool(s) or not conserved in placental mammals with a minor amino acid change. Additional information: Variant is predicted to result in a missense amino acid change from Ser to Cys; This variant is heterozygous; This gene is associated with both recessive and dominant disease. Autosomal recessive inheritance has been reported for dilated cardiomyopathy 2E (MIM#619492), with biallelic variants reported in severe, paediatric-onset DCM (PMIDs: 27471098, 30384889, 31227780; OMIM). Hypertrophic cardiomyopathy 17 (MIM#613873) is associated with autosomal dominant inheritance (OMIM, PanelApp Australia); however, this is currently rated as moderate by ClinGen; Alternative amino acid change(s) at the same position are present in gnomAD (highest allele count: v4: 3 heterozygote(s), 0 homozygote(s)); Previous evidence of pathogenicity for this variant is inconclusive. This variant has been classified as a VUS by a clinical laboratory in ClinVar. - No published evidence of segregation with disease has been identified for this variant; No published functional evidence has been identified for this variant; Another missense variant(s) comparable to the one identified in this case has inconclusive previous evidence for pathogenicity. p.(Ser527Phe) has been classified as a VUS by a clinical laboratory in ClinVar. - Variant is not located in an established domain, motif, hotspot or informative constraint region; Loss of function is a known mechanism of disease in this gene and is associated with autosomal recessive dilated cardiomyopathy 2E (MIM#619492). Loss of function is a suggested mechanism of disease for missense variants causing hypertrophic cardiomyopathy 17 (MIM#613873); however, dominant negative has not been excluded; Inheritance information for this variant is not currently available in this individual.

Labcorp Genetics (formerly Invitae), Labcorp
Classification: Uncertain significance for Hypertrophic cardiomyopathy. Last evaluated: 2025-02-04. Review status: criteria provided, single submitter. Criteria: Invitae Variant Classification Sherloc (09022015). Collection method: clinical testing. Allele origin: germline.
Comment: This sequence change replaces serine, which is neutral and polar, with cysteine, which is neutral and slightly polar, at codon 527 of the JPH2 protein (p.Ser527Cys). This variant is not present in population databases (gnomAD no frequency). This variant has not been reported in the literature in individuals affected with JPH2-related conditions. An algorithm developed to predict the effect of missense changes on protein structure and function (PolyPhen-2) suggests that this variant is likely to be tolerated. In summary, the available evidence is currently insufficient to determine the role of this variant in disease. Therefore, it has been classified as a Variant of Uncertain Significance.

Literature cited by the submitters: PubMed 30384889 (cited by Victorian Clinical Genetics Services, Murdoch Childrens Research Institute); PubMed 31227780 (cited by Victorian Clinical Genetics Services, Murdoch Childrens Research Institute); PubMed 27471098 (cited by Victorian Clinical Genetics Services, Murdoch Childrens Research Institute).

NM_020433.5(JPH2):c.1580C>G (p.Ser527Cys)

Gene: JPH2 (junctophilin 2; minus strand). Cytogenetic location: 20q13.12.
Variant type: single nucleotide variant.
Coding change: c.1580C>G on transcript NM_020433.5 (MANE Select); coding-DNA position 1580, C replaced by G.
Protein change: p.Ser527Cys; replaces serine 527 with cysteine.
Molecular consequence: missense variant.
Genome position (GRCh38, 1-based): chr20:44,116,095, G>C on the plus strand (C>G on the coding strand, the complement: JPH2 is on the minus strand). VCF-style: chr20-44116095-G-C. GRCh37 (hg19) VCF-style: chr20-42744735-G-C.
Other names: short protein forms S527C.
Identifiers: ClinVar variation 3720046 (VCV003720046.3).